The following is an entry in ClinVar:

ClinVar aggregate classification (germline): Benign (1 of 4 stars; one submission).

Conditions:
Amelogenesis imperfecta hypomaturation type 2A3. Also called: Amelogenesis imperfecta, type IIA3. Identifiers: Orphanet 88661, MedGen C2750771, MONDO:0013181, OMIM 613211. Disease mechanism: loss of function.

Allele frequency attached by ClinVar (database versions not stated): gnomAD 0.01401 and 0.01510; TOPMed 0.01563; 1000 Genomes Project 0.01617; 1000 Genomes Project 30x 0.01780.

Submission:

Illumina Laboratory Services, Illumina
Classification: Benign for Amelogenesis imperfecta hypomaturation type 2A3. Last evaluated: 2018-01-13. Review status: criteria provided, single submitter. Criteria: ICSL Variant Classification Criteria 13 December 2019. Collection method: clinical testing. Allele origin: germline.
Comment: This variant was observed in the ICSL laboratory as part of a predisposition screen in an ostensibly healthy population. It had not been previously curated by ICSL or reported in the Human Gene Mutation Database (HGMD: prior to June 1st, 2018), and was therefore a candidate for classification through an automated scoring system. Utilizing variant allele frequency, disease prevalence and penetrance estimates, and inheritance mode, an automated score was calculated to assess if this variant is too frequent to cause the disease. Based on the score and internal cut-off values, a variant classified as benign is not then subjected to further curation. The score for this variant resulted in a classification of benign for this disease.

NM_182758.4(WDR72):c.*2081C>T

Gene: WDR72 (WD repeat domain 72; minus strand). Cytogenetic location: 15q21.3.
Variant type: single nucleotide variant.
Coding change: c.*2081C>T on transcript NM_182758.4 (MANE Select); 2081 bases downstream of the stop codon, C replaced by T.
Molecular consequence: 3 prime UTR variant. On other transcripts: non-coding transcript variant (3).
Genome position (GRCh38, 1-based): chr15:53,515,618, G>A on the plus strand (C>T on the coding strand, the complement: WDR72 is on the minus strand). VCF-style: chr15-53515618-G-A. GRCh37 (hg19) VCF-style: chr15-53807815-G-A.
Other names: c.*2081C>T (NM_001277176.2).
Identifiers: ClinVar variation 887706 (VCV000887706.4), dbSNP rs74015391, ClinGen allele CA271074629.